The following is an entry in ClinVar:

NM_014845.6(FIG4):c.1272-16T>C

Gene: FIG4 (FIG4 phosphoinositide 5-phosphatase; plus strand). Cytogenetic location: 6q21.
Variant type: single nucleotide variant.
Coding change: c.1272-16T>C on transcript NM_014845.6 (MANE Select); 16 bases into the intron before coding-DNA position 1272, T replaced by C.
Molecular consequence: intron variant.
Genome position (GRCh38, 1-based): chr6:109,762,075, T>C. VCF-style: chr6-109762075-T-C. GRCh37 (hg19) VCF-style: chr6-110083278-T-C.
Identifiers: ClinVar variation 513064 (VCV000513064.1), dbSNP rs1554303954, ClinGen allele CA658796801.

ClinVar aggregate classification (germline): Likely benign (1 of 4 stars; one submission).

Allele frequency attached by ClinVar (database versions not stated): TOPMed below 0.00001; gnomAD 0.00001.

Submission:

GeneDx
Classification: Likely benign. Last evaluated: 2017-11-10. Review status: criteria provided, single submitter. Criteria: GeneDx Variant Classification (06012015). Collection method: clinical testing. Allele origin: germline. Affected: yes.
Comment: This variant is considered likely benign or benign based on one or more of the following criteria: it is a conservative change, it occurs at a poorly conserved position in the protein, it is predicted to be benign by multiple in silico algorithms, and/or has population frequency not consistent with disease.